The following is an entry in ClinVar:

ClinVar aggregate classification (germline): Uncertain significance (1 of 4 stars; one submission).

Allele frequency attached by ClinVar (database versions not stated): gnomAD exomes below 0.00001 and 0.00001; TOPMed below 0.00001; ExAC 0.00002.
gnomAD v4.1: 5 of 1,614,032 alleles (0.00031%); highest among the groups gnomAD compares: Admixed American, 0.0017%; no homozygotes.

Submission:

Labcorp Genetics (formerly Invitae), Labcorp
Classification: Uncertain significance. Last evaluated: 2021-08-24. Review status: criteria provided, single submitter. Criteria: Invitae Variant Classification Sherloc (09022015). Collection method: clinical testing. Allele origin: germline.
Comment: This sequence change replaces tyrosine with histidine at codon 428 of the ARSG protein (p.Tyr428His). The tyrosine residue is moderately conserved and there is a moderate physicochemical difference between tyrosine and histidine. This variant is present in population databases (rs778991309, ExAC 0.003%). This variant has not been reported in the literature in individuals affected with ARSG-related conditions. Algorithms developed to predict the effect of missense changes on protein structure and function output the following: SIFT: "Tolerated"; PolyPhen-2: "Benign"; Align-GVGD: "Class C0". The histidine amino acid residue is found in multiple mammalian species, which suggests that this missense change does not adversely affect protein function. In summary, the available evidence is currently insufficient to determine the role of this variant in disease. Therefore, it has been classified as a Variant of Uncertain Significance.

NM_001267727.2(ARSG):c.1282T>C (p.Tyr428His)

Gene: ARSG (arylsulfatase G; plus strand). Cytogenetic location: 17q24.2.
Variant type: single nucleotide variant.
Coding change: c.1282T>C on transcript NM_001267727.2 (MANE Select); coding-DNA position 1282, T replaced by C.
Protein change: p.Tyr428His; replaces tyrosine 428 with histidine.
Molecular consequence: missense variant.
Genome position (GRCh38, 1-based): chr17:68,401,429, T>C. VCF-style: chr17-68401429-T-C. GRCh37 (hg19) VCF-style: chr17-66397570-T-C.
Other names: c.1282T>C, p.Tyr428His (NM_001352899.2, NM_001352900.2, NM_001352901.2 and 3 more transcripts); c.1279T>C, p.Tyr427His (NM_001352903.2, NM_001352904.2, NM_001352905.2 and 2 more transcripts); c.1234T>C, p.Tyr412His (NM_001352909.2); short protein forms Y428H, Y412H, Y427H.
Identifiers: ClinVar variation 1471576 (VCV001471576.5), dbSNP rs778991309, ClinGen allele CA8728537.